The following is an entry in ClinVar:

NM_014797.3(ZBTB24):c.1688T>C (p.Ile563Thr)

Gene: ZBTB24 (zinc finger and BTB domain containing 24; minus strand). Cytogenetic location: 6q21.
Variant type: single nucleotide variant.
Coding change: c.1688T>C on transcript NM_014797.3 (MANE Select); coding-DNA position 1688, T replaced by C.
Protein change: p.Ile563Thr; replaces isoleucine 563 with threonine.
Molecular consequence: missense variant.
Genome position (GRCh38, 1-based): chr6:109,466,257, A>G on the plus strand (T>C on the coding strand, the complement: ZBTB24 is on the minus strand). VCF-style: chr6-109466257-A-G. GRCh37 (hg19) VCF-style: chr6-109787460-A-G.
Other names: short protein forms I563T.
Identifiers: ClinVar variation 539538 (VCV000539538.15), dbSNP rs142830104, ClinGen allele CA3954034.

ClinVar aggregate classification (germline): Conflicting classifications of pathogenicity. Review status: criteria provided, conflicting classifications (1 of 4 stars). 4 submissions from 4 submitters: Uncertain significance (1); Benign (1); Likely benign (1). 1 of the submissions does not count toward it. Last evaluated 2026-02-02.

Conditions:
ZBTB24-related disorder. Also called: ZBTB24-related condition.
Immunodeficiency-centromeric instability-facial anomalies syndrome 2 (ICF2). Identifiers: Orphanet 2268, MedGen C3279748, MONDO:0013553, OMIM 614069.

Allele frequency attached by ClinVar (database versions not stated): gnomAD 0.00057 and 0.00063; TOPMed 0.00062; ExAC 0.00077; gnomAD exomes 0.00080 and 0.00087; ESP Exome Variant Server 0.00100; 1000 Genomes Project 30x 0.00109; 1000 Genomes Project 0.00120.
gnomAD v4.1: 1,368 of 1,614,216 alleles (0.085%); highest among the groups gnomAD compares: Middle Eastern, 0.28%; 6 homozygotes.

Submissions (4):

Labcorp Genetics (formerly Invitae), Labcorp
Classification: Benign for Immunodeficiency-centromeric instability-facial anomalies syndrome 2. Last evaluated: 2026-02-02. Review status: criteria provided, single submitter. Criteria: Invitae Variant Classification Sherloc (09022015). Collection method: clinical testing. Allele origin: germline.

Blueprint Genetics
Classification: Likely benign. Last evaluated: 2024-10-17. Review status: criteria provided, single submitter. Criteria: ACMG Guidelines, 2015. Collection method: clinical testing. Allele origin: germline.

ARUP Laboratories, Molecular Genetics and Genomics, ARUP Laboratories
Classification: Uncertain significance for Immunodeficiency-centromeric instability-facial anomalies syndrome 2. Last evaluated: 2023-09-14. Review status: criteria provided, single submitter. Criteria: ARUP Molecular Germline Variant Investigation Process 2024. Collection method: clinical testing. Allele origin: germline.
Comment: The ZBTB24 c.1688T>C; p.Ile563Thr variant (rs142830104), to our knowledge, is not reported in the medical literature but is reported in ClinVar (Variation ID: 539538). This variant is found in the general population with an overall allele frequency of 0.08% (222/282,252 alleles, including 2 homozygotes) in the Genome Aggregation Database. Computational analyses are uncertain whether this variant is neutral or deleterious (REVEL: 0.233). Due to limited information, the clinical significance of this variant is uncertain at this time.

PreventionGenetics, part of Exact Sciences
Classification: Likely benign for ZBTB24-related condition. Last evaluated: 2023-10-23. Review status: no assertion criteria provided. Collection method: clinical testing. Allele origin: germline. Not counted in ClinVar's aggregate classification.
Comment: This variant is classified as likely benign based on ACMG/AMP sequence variant interpretation guidelines (Richards et al. 2015 PMID: 25741868, with internal and published modifications).